The following is an entry in ClinVar:

ClinVar aggregate classification (germline): Uncertain significance (1 of 4 stars; one submission).

Conditions:
Hyper-IgM syndrome type 5 (HIGM5). Also called: Hyper-IgM Immunodeficiency Syndrome, Type 5. Identifiers: Orphanet 101092, MedGen C1720958, MONDO:0011971, OMIM 608106.

Submission:

Labcorp Genetics (formerly Invitae), Labcorp
Classification: Uncertain significance for Hyper-IgM syndrome type 5. Last evaluated: 2022-04-12. Review status: criteria provided, single submitter. Criteria: Invitae Variant Classification Sherloc (09022015). Collection method: clinical testing. Allele origin: germline.
Comment: In summary, the available evidence is currently insufficient to determine the role of this variant in disease. Therefore, it has been classified as a Variant of Uncertain Significance. Algorithms developed to predict the effect of missense changes on protein structure and function are either unavailable or do not agree on the potential impact of this missense change (SIFT: "Tolerated"; PolyPhen-2: "Possibly Damaging"; Align-GVGD: "Class C0"). This variant has not been reported in the literature in individuals affected with UNG-related conditions. This variant is not present in population databases (gnomAD no frequency). This sequence change replaces arginine, which is basic and polar, with proline, which is neutral and non-polar, at codon 88 of the UNG protein (p.Arg88Pro).

NM_080911.3(UNG):c.263G>C (p.Arg88Pro)

Gene: UNG (uracil DNA glycosylase; plus strand). Cytogenetic location: 12q24.11.
Variant type: single nucleotide variant.
Coding change: c.263G>C on transcript NM_080911.3 (MANE Select); coding-DNA position 263, G replaced by C.
Protein change: p.Arg88Pro; replaces arginine 88 with proline.
Molecular consequence: missense variant.
Genome position (GRCh38, 1-based): chr12:109,098,562, G>C. VCF-style: chr12-109098562-G-C. GRCh37 (hg19) VCF-style: chr12-109536367-G-C.
Other names: c.236G>C, p.Arg79Pro (NM_003362.4); short protein forms R79P, R88P.
Identifiers: ClinVar variation 2125114 (VCV002125114.4), dbSNP rs986919598, ClinGen allele CA243393858.